The following is an entry in ClinVar:

ClinVar aggregate classification (germline): not provided (0 of 4 stars; one submission).

Conditions:
Hyperimmunoglobulin D with periodic fever (HIDS). Also called: HYPERIMMUNOGLOBULINEMIA D AND PERIODIC FEVER SYNDROME; Hyperimmunoglobulinemia D; Hyperimmunoglobulinemia D with periodic fever. Identifiers: Orphanet 343, MedGen C0398691, MONDO:0009849, OMIM 260920.

Submission:

Unité médicale des maladies autoinflammatoires, CHRU Montpellier
No classification provided. Condition: Hyperimmunoglobulin D with periodic fever. Review status: no classification provided. Collection method: not provided. Allele origin: unknown.
Comment: also involved in OMIM 25117

NM_000431.4(MVK):c.372_527del (p.Ala125_Arg176del)

Gene: MVK (mevalonate kinase; plus strand).
Variant type: Deletion.
Coding change: c.372_527del on transcript NM_000431.4 (MANE Select); coding-DNA positions 372 to 527, 156 bases deleted.
Protein change: p.Ala125_Arg176del.
Molecular consequence: splice acceptor variant, splice donor variant. On other transcripts: intron variant (2).
Other names: c.373_527+1del (NM_001414511.1, NM_001414512.1, NM_001414513.1 and 2 more transcripts); c.371+1450_371+1605del (NM_001414514.1, NM_001301182.2); c.-210_-56+1del (NM_001414515.1).
Identifiers: ClinVar variation 97584 (VCV000097584.1), dbSNP rs104895310, ClinGen allele CA149819.